The following is an entry in ClinVar:

NM_002160.4(TNC):c.5109T>C (p.Ser1703=)

Gene: TNC (tenascin C; minus strand). Cytogenetic location: 9q33.1.
Variant type: single nucleotide variant.
Coding change: c.5109T>C on transcript NM_002160.4 (MANE Select); coding-DNA position 5109, T replaced by C.
Protein change: p.Ser1703=; no amino-acid change (serine 1703 retained).
Molecular consequence: synonymous variant.
Genome position (GRCh38, 1-based): chr9:115,046,426, A>G on the plus strand (T>C on the coding strand, the complement: TNC is on the minus strand). VCF-style: chr9-115046426-A-G. GRCh37 (hg19) VCF-style: chr9-117808705-A-G.
Other names: c.4563T>C, p.Ser1521= (NM_001410991.1).
Identifiers: ClinVar variation 2659454 (VCV002659454.25), dbSNP rs139558312, ClinGen allele CA5207756.

ClinVar aggregate classification (germline): Likely benign. Review status: criteria provided, multiple submitters, no conflicts (2 of 4 stars). 2 submissions from 2 submitters: Likely benign (2). Last evaluated 2023-08-25.

Allele frequency attached by ClinVar (database versions not stated): TOPMed 0.00007; ExAC 0.00009; gnomAD exomes 0.00014; gnomAD 0.00006.
gnomAD v4.1: 204 of 1,613,942 alleles (0.013%); highest among the groups gnomAD compares: Non-Finnish European, 0.017%; no homozygotes.

Submissions (2):

Blueprint Genetics
Classification: Likely benign. Last evaluated: 2023-08-25. Review status: criteria provided, single submitter. Criteria: ACMG Guidelines, 2015. Collection method: clinical testing. Allele origin: germline.

CeGaT Center for Human Genetics Tuebingen
Classification: Likely benign. Last evaluated: 2022-04-01. Review status: criteria provided, single submitter. Criteria: CeGaT Center For Human Genetics Tuebingen Variant Classification Criteria Version 2. Collection method: clinical testing. Allele origin: germline. Affected: yes. Observed: 1 variant allele.
Comment: TNC: BP4